The following is an entry in ClinVar:

NM_004036.5(ADCY3):c.2334G>A (p.Thr778=)

Gene: ADCY3 (adenylate cyclase 3; minus strand). Cytogenetic location: 2p23.3.
Variant type: single nucleotide variant.
Coding change: c.2334G>A on transcript NM_004036.5 (MANE Select); coding-DNA position 2334, G replaced by A.
Protein change: p.Thr778=; no amino-acid change (threonine 778 retained).
Molecular consequence: synonymous variant. On other transcripts: intron variant (1).
Genome position (GRCh38, 1-based): chr2:24,828,000, C>T on the plus strand (G>A on the coding strand, the complement: ADCY3 is on the minus strand). VCF-style: chr2-24828000-C-T. GRCh37 (hg19) VCF-style: chr2-25050869-C-T.
Other names: c.2334G>A, p.Thr778= (NM_001320613.2, NM_001377132.1); c.2400G>A, p.Thr800= (NM_001377128.1); c.2196G>A, p.Thr732= (NM_001377129.1); c.1611G>A, p.Thr537= (NM_001377131.1); c.2172+2709G>A (NM_001377130.1).
Identifiers: ClinVar variation 3353796 (VCV003353796.1).

ClinVar aggregate classification (germline): Likely benign (0 of 4 stars; one submission).

Conditions:
ADCY3-related disorder. Also called: ADCY3-related condition.

gnomAD v4.1: 17 of 1,614,110 alleles (0.0011%); highest among the groups gnomAD compares: East Asian, 0.0045%; no homozygotes.

Submission:

PreventionGenetics, part of Exact Sciences
Classification: Likely benign for ADCY3-related condition. Last evaluated: 2022-05-28. Review status: no assertion criteria provided. Collection method: clinical testing. Allele origin: germline.
Comment: This variant is classified as likely benign based on ACMG/AMP sequence variant interpretation guidelines (Richards et al. 2015 PMID: 25741868, with internal and published modifications).